The following is an entry in ClinVar:

ClinVar aggregate classification (germline): Uncertain significance (1 of 4 stars; one submission).

Conditions:
POLD1-related polyposis and colorectal cancer syndrome (CRCS10). Also called: COLORECTAL CANCER, SUSCEPTIBILITY TO, ON CHROMOSOME 19q; Colorectal cancer 10; Colorectal cancer, susceptibility to, 10. Identifiers: Orphanet 220460, MedGen C2675481, MONDO:0012953, OMIM 612591.

gnomAD v4.1: 1 of 1,566,510 alleles (0.000064%); highest among the groups gnomAD compares: East Asian, 0.0023%; no homozygotes.

Submission:

Labcorp Genetics (formerly Invitae), Labcorp
Classification: Uncertain significance for POLD1-related polyposis and colorectal cancer syndrome. Last evaluated: 2025-12-18. Review status: criteria provided, single submitter. Criteria: Invitae Variant Classification Sherloc (09022015). Collection method: clinical testing. Allele origin: germline.
Comment: This sequence change replaces arginine, which is basic and polar, with serine, which is neutral and polar, at codon 49 of the POLD1 protein (p.Arg49Ser). This variant is not present in population databases (gnomAD no frequency). This variant has not been reported in the literature in individuals affected with POLD1-related conditions. An algorithm developed to predict the effect of missense changes on protein structure and function (PolyPhen-2) suggests that this variant is likely to be tolerated. In summary, the available evidence is currently insufficient to determine the role of this variant in disease. Therefore, it has been classified as a Variant of Uncertain Significance.

NM_002691.4(POLD1):c.147G>T (p.Arg49Ser)

Gene: POLD1 (DNA polymerase delta 1, catalytic subunit; plus strand). Cytogenetic location: 19q13.33.
Variant type: single nucleotide variant.
Coding change: c.147G>T on transcript NM_002691.4 (MANE Select); coding-DNA position 147, G replaced by T.
Protein change: p.Arg49Ser; replaces arginine 49 with serine.
Molecular consequence: missense variant. On other transcripts: non-coding transcript variant (1).
Genome position (GRCh38, 1-based): chr19:50,398,998, G>T. VCF-style: chr19-50398998-G-T. GRCh37 (hg19) VCF-style: chr19-50902255-G-T.
Other names: c.147G>T, p.Arg49Ser (NM_001438213.1, NM_001256849.1, NM_001308632.1 and 3 more transcripts); short protein forms R49S.
Identifiers: ClinVar variation 4763785 (VCV004763785.1).